The following is an entry in ClinVar:

ClinVar aggregate classification (germline): Likely benign. Review status: criteria provided, multiple submitters, no conflicts (2 of 4 stars). 4 submissions from 4 submitters: Likely benign (4). Last evaluated 2026-07-28.

Conditions:
Inborn genetic diseases. Identifiers: MedGen C0950123, MeSH D030342.
Baraitser-Winter syndrome 1 (BRWS1). Also called: PACHYGYRIA, MENTAL RETARDATION, EPILEPSY, AND CHARACTERISTIC FACIES; BARAITSER-WINTER SYNDROME 1, ATYPICAL; MENTAL RETARDATION WITH EPILEPSY AND CHARACTERISTIC FACIES; Cerebrofrontofacial syndrome. Identifiers: Orphanet 2649, Orphanet 2995, MedGen C1855722, MONDO:0009470, OMIM 243310.

Allele frequency attached by ClinVar (database versions not stated): gnomAD 0.00001; TOPMed 0.00001; ExAC 0.00002; gnomAD exomes 0.00002 and 0.00012.
gnomAD v4.1: 172 of 1,613,938 alleles (0.011%); highest among the groups gnomAD compares: Non-Finnish European, 0.014%; no homozygotes.

Submissions (4):

Ambry Genetics
Classification: Likely benign for Inborn genetic diseases. Last evaluated: 2026-07-28. Review status: criteria provided, single submitter. Criteria: Ambry Variant Classification Scheme 2023. Collection method: clinical testing. Allele origin: germline.

CeGaT Center for Human Genetics Tuebingen
Classification: Likely benign. Last evaluated: 2025-08-01. Review status: criteria provided, single submitter. Criteria: CeGaT Center For Human Genetics Tuebingen Variant Classification Criteria Version 2. Collection method: clinical testing. Allele origin: germline. Affected: yes. Observed: 1 variant allele.
Comment: ACTB: BP4, BP7

Labcorp Genetics (formerly Invitae), Labcorp
Classification: Likely benign for Baraitser-Winter syndrome 1. Last evaluated: 2025-07-02. Review status: criteria provided, single submitter. Criteria: Invitae Variant Classification Sherloc (09022015). Collection method: clinical testing. Allele origin: germline.

GeneDx
Classification: Likely benign. Last evaluated: 2016-09-29. Review status: criteria provided, single submitter. Criteria: GeneDx Variant Classification (06012015). Collection method: clinical testing. Allele origin: germline. Affected: yes.
Comment: This variant is considered likely benign or benign based on one or more of the following criteria: it is a conservative change, it occurs at a poorly conserved position in the protein, it is predicted to be benign by multiple in silico algorithms, and/or has population frequency not consistent with disease.

NM_001101.5(ACTB):c.526C>T (p.Leu176=)

Gene: ACTB (actin beta; minus strand). Cytogenetic location: 7p22.1.
Variant type: single nucleotide variant.
Coding change: c.526C>T on transcript NM_001101.5 (MANE Select); coding-DNA position 526, C replaced by T.
Protein change: p.Leu176=; no amino-acid change (leucine 176 retained).
Molecular consequence: synonymous variant.
Genome position (GRCh38, 1-based): chr7:5,528,557, G>A on the plus strand (C>T on the coding strand, the complement: ACTB is on the minus strand). VCF-style: chr7-5528557-G-A. GRCh37 (hg19) VCF-style: chr7-5568188-G-A.
Other names: c.526C>T (LRG_132t1).
Identifiers: ClinVar variation 389497 (VCV000389497.14), dbSNP rs781543876, ClinGen allele CA4146993.